The following is an entry in ClinVar:

ClinVar aggregate classification (germline): Uncertain significance (1 of 4 stars; one submission).

Allele frequency attached by ClinVar (database versions not stated): gnomAD exomes below 0.00001; TOPMed 0.00001.
gnomAD v4.1: 3 of 1,613,536 alleles (0.00019%); highest among the groups gnomAD compares: Non-Finnish European, 0.00025%; no homozygotes.

Submission:

Labcorp Genetics (formerly Invitae), Labcorp
Classification: Uncertain significance. Last evaluated: 2023-10-11. Review status: criteria provided, single submitter. Criteria: Invitae Variant Classification Sherloc (09022015). Collection method: clinical testing. Allele origin: germline.
Comment: This sequence change replaces arginine, which is basic and polar, with glutamine, which is neutral and polar, at codon 745 of the AHDC1 protein (p.Arg745Gln). This variant is not present in population databases (gnomAD no frequency). This variant has not been reported in the literature in individuals affected with AHDC1-related conditions. ClinVar contains an entry for this variant (Variation ID: 1001420). An algorithm developed to predict the effect of missense changes on protein structure and function (PolyPhen-2) suggests that this variant is likely to be tolerated. In summary, the available evidence is currently insufficient to determine the role of this variant in disease. Therefore, it has been classified as a Variant of Uncertain Significance.

NM_001371928.1(AHDC1):c.2234G>A (p.Arg745Gln)

Gene: AHDC1 (AT-hook DNA binding motif containing 1; minus strand). Cytogenetic location: 1p36.11.
Variant type: single nucleotide variant.
Coding change: c.2234G>A on transcript NM_001371928.1 (MANE Select); coding-DNA position 2234, G replaced by A.
Protein change: p.Arg745Gln; replaces arginine 745 with glutamine.
Molecular consequence: missense variant.
Genome position (GRCh38, 1-based): chr1:27,549,882, C>T on the plus strand (G>A on the coding strand, the complement: AHDC1 is on the minus strand). VCF-style: chr1-27549882-C-T. GRCh37 (hg19) VCF-style: chr1-27876393-C-T.
Other names: c.2234G>A, p.Arg745Gln (NM_001029882.3); short protein forms R745Q.
Identifiers: ClinVar variation 1001420 (VCV001001420.8), dbSNP rs1557663014, ClinGen allele CA339232423.